The following is an entry in ClinVar:

ClinVar aggregate classification (germline): Uncertain significance (1 of 4 stars; one submission).

Submission:

Labcorp Genetics (formerly Invitae), Labcorp
Classification: Uncertain significance. Last evaluated: 2023-03-26. Review status: criteria provided, single submitter. Criteria: Invitae Variant Classification Sherloc (09022015). Collection method: clinical testing. Allele origin: germline.
Comment: This sequence change replaces threonine, which is neutral and polar, with isoleucine, which is neutral and non-polar, at codon 352 of the PAX1 protein (p.Thr352Ile). This variant is not present in population databases (gnomAD no frequency). This variant has not been reported in the literature in individuals affected with PAX1-related conditions. ClinVar contains an entry for this variant (Variation ID: 1720624). Advanced modeling of protein sequence and biophysical properties (such as structural, functional, and spatial information, amino acid conservation, physicochemical variation, residue mobility, and thermodynamic stability) performed at Invitae indicates that this missense variant is not expected to disrupt PAX1 protein function. In summary, the available evidence is currently insufficient to determine the role of this variant in disease. Therefore, it has been classified as a Variant of Uncertain Significance.

NM_001257096.2(PAX1):c.1055C>T (p.Thr352Ile)

Gene: PAX1 (paired box 1; plus strand). Cytogenetic location: 20p11.22.
Variant type: single nucleotide variant.
Coding change: c.1055C>T on transcript NM_001257096.2 (MANE Select); coding-DNA position 1055, C replaced by T.
Protein change: p.Thr352Ile; replaces threonine 352 with isoleucine.
Molecular consequence: missense variant.
Genome position (GRCh38, 1-based): chr20:21,708,696, C>T. VCF-style: chr20-21708696-C-T. GRCh37 (hg19) VCF-style: chr20-21689334-C-T.
Other names: c.1055C>T, p.Thr352Ile (NM_006192.5); short protein forms T352I.
Identifiers: ClinVar variation 1720624 (VCV001720624.5), dbSNP rs867776280, ClinGen allele CA313027662.